The following is an entry in ClinVar:

ClinVar aggregate classification (germline): Pathogenic. Review status: criteria provided, multiple submitters, no conflicts (2 of 4 stars). 2 submissions from 2 submitters: Pathogenic (2). Last evaluated 2022-06-02.

Conditions:
Primary ciliary dyskinesia. Also called: Ciliary dyskinesia. Identifiers: Orphanet 244, MedGen C0008780, MONDO:0016575, HP:0012265.
Retinal dystrophy. Also called: Inherited retinal dystrophy. Identifiers: Orphanet 71862, MedGen C0854723, MeSH D058499, MONDO:0019118, HP:0000556.

Submissions (2):

Labcorp Genetics (formerly Invitae), Labcorp
Classification: Pathogenic for Primary ciliary dyskinesia. Last evaluated: 2022-06-02. Review status: criteria provided, single submitter. Criteria: Invitae Variant Classification Sherloc (09022015). Collection method: clinical testing. Allele origin: germline.
Comment: For these reasons, this variant has been classified as Pathogenic. This variant disrupts a region of the RPGR (ORF15) protein in which other variant(s) (p.Leu1130Lysfs*13) have been determined to be pathogenic (PMID: 22264887). This suggests that this is a clinically significant region of the protein, and that variants that disrupt it are likely to be disease-causing. This variant is also known as g.ORF15+1254_1255delGG. This premature translational stop signal has been observed in individual(s) with retinitis pigmentosa (PMID: 12657579). This variant is not present in population databases (gnomAD no frequency). This sequence change creates a premature translational stop signal (p.Gly1003Argfs*75) in the RPGR (ORF15) gene. While this is not anticipated to result in nonsense mediated decay, it is expected to disrupt the last 150 amino acid(s) of the RPGR (ORF15) protein.

Institute of Human Genetics, Univ. Regensburg, Univ. Regensburg
Classification: Pathogenic for Retinal dystrophy. Last evaluated: 2010-01-01. Review status: criteria provided, single submitter. Criteria: ACMG Guidelines, 2015. Collection method: clinical testing. Allele origin: germline. Affected: yes.

Literature cited by the submitters: PubMed 22264887 (cited by Labcorp Genetics (formerly Invitae), Labcorp); PubMed 12657579 (cited by Labcorp Genetics (formerly Invitae), Labcorp and Institute of Human Genetics, Univ. Regensburg, Univ. Regensburg).

NM_001034853.2(RPGR):c.3007_3008del (p.Gly1003fs)

Gene: RPGR (retinitis pigmentosa GTPase regulator; minus strand). Cytogenetic location: Xp11.4.
Variant type: Deletion.
Coding change: c.3007_3008del on transcript NM_001034853.2 (MANE Select); coding-DNA positions 3007 to 3008, 2 bases deleted (GG; older notation c.3007_3008delGG).
Protein change: p.Gly1003fs; shifts the reading frame from glycine 1003.
Molecular consequence: frameshift variant. On other transcripts: intron variant (8).
Genome position (GRCh38, 1-based): chrX:38,285,991-38,285,992, CC deleted on the plus strand (GG on the coding strand, the reverse complement: RPGR is on the minus strand). VCF-style (leftmost placement, unchanged base first): chrX-38285990-TCC-T. GRCh37 (hg19) VCF-style: chrX-38145243-TCC-T.
Other names: c.1569+4967_1569+4968del (NM_001367249.1, NM_001367250.1); c.1902+1102_1902+1103del (NM_001367245.1); c.1386+4967_1386+4968del (NM_001367251.1); c.1719+1102_1719+1103del (NM_001367246.1); c.1572+4967_1572+4968del (NM_001367247.1); c.1905+1102_1905+1103del (NM_000328.3); c.1602+4967_1602+4968del (NM_001367248.1); short protein forms G1003fs.
Identifiers: ClinVar variation 2138530 (VCV002138530.5), dbSNP rs2519783409, ClinGen allele CA2579584388.